The following is an entry in ClinVar:

NM_000388.4(CASR):c.1775A>T (p.Asn592Ile)

Gene: CASR (calcium sensing receptor; plus strand). Cytogenetic location: 3q21.1.
Variant type: single nucleotide variant.
Coding change: c.1775A>T on transcript NM_000388.4 (MANE Select); coding-DNA position 1775, A replaced by T.
Protein change: p.Asn592Ile; replaces asparagine 592 with isoleucine.
Molecular consequence: missense variant.
Genome position (GRCh38, 1-based): chr3:122,283,729, A>T. VCF-style: chr3-122283729-A-T. GRCh37 (hg19) VCF-style: chr3-122002576-A-T.
Other names: c.1805A>T, p.Asn602Ile (NM_001178065.2); short protein forms N592I, N602I.
Identifiers: ClinVar variation 2941111 (VCV002941111.3), dbSNP rs117375173, ClinGen allele CA354157285.
Genomic context (GRCh38, chr3:122,283,729, plus strand): 5'-CACTGGGACATTTTACAGATGCCAGTGCCTGTAACAAGTGCCCAGATGACTTCTGGTCCA[A>T]TGAGAACCACACCTCCTGCATTGCCAAGGAGATCGAGTTTCTGTCGTGGACGGAGCCCTT-3'
Protein context (NP_000379.3, residues 582-602): CNKCPDDFWS[Asn592Ile]ENHTSCIAKE

ClinVar aggregate classification (germline): Uncertain significance (1 of 4 stars; one submission).

Conditions:
Familial hypocalciuric hypercalcemia (FHH). Also called: Familial benign hypercalcemia. Identifiers: Orphanet 405, MedGen C1809471, MONDO:0018458.
Autosomal dominant hypocalcemia 1 (HYPOC1). Also called: HYPOCALCEMIA, FAMILIAL. Identifiers: MedGen C3715128, MONDO:0011013, OMIM 601198.

Submission:

Labcorp Genetics (formerly Invitae), Labcorp
Classification: Uncertain significance for Familial hypocalciuric hypercalcemia; Autosomal dominant hypocalcemia 1. Last evaluated: 2022-10-30. Review status: criteria provided, single submitter. Criteria: Invitae Variant Classification Sherloc (09022015). Collection method: clinical testing. Allele origin: germline.
Comment: This sequence change replaces asparagine, which is neutral and polar, with isoleucine, which is neutral and non-polar, at codon 592 of the CASR protein (p.Asn592Ile). This variant is not present in population databases (gnomAD no frequency). This variant has not been reported in the literature in individuals affected with CASR-related conditions. Algorithms developed to predict the effect of missense changes on protein structure and function (SIFT, PolyPhen-2, Align-GVGD) all suggest that this variant is likely to be disruptive. In summary, the available evidence is currently insufficient to determine the role of this variant in disease. Therefore, it has been classified as a Variant of Uncertain Significance.